The following is an entry in ClinVar:

ClinVar aggregate classification (germline): Uncertain significance (1 of 4 stars; one submission).

Conditions:
DVL1-related disorder. Also called: DVL1-related condition.

Submission:

PreventionGenetics, part of Exact Sciences
Classification: Uncertain significance for DVL1-related condition. Last evaluated: 2023-04-14. Review status: criteria provided, single submitter. Criteria: ACMG Guidelines, 2015. Collection method: clinical testing. Allele origin: germline.
Comment: The DVL1 c.1392C>G variant is predicted to result in the amino acid substitution p.Phe464Leu. To our knowledge, this variant has not been reported in the literature or in a large population database, indicating this variant is rare. At this time, the clinical significance of this variant is uncertain due to the absence of conclusive functional and genetic evidence.

NM_001330311.2(DVL1):c.1467C>G (p.Phe489Leu)

Gene: DVL1 (dishevelled segment polarity protein 1; minus strand). Cytogenetic location: 1p36.33.
Variant type: single nucleotide variant.
Coding change: c.1467C>G on transcript NM_001330311.2 (MANE Select); coding-DNA position 1467, C replaced by G.
Protein change: p.Phe489Leu; replaces phenylalanine 489 with leucine.
Molecular consequence: missense variant.
Genome position (GRCh38, 1-based): chr1:1,338,309, G>C on the plus strand (C>G on the coding strand, the complement: DVL1 is on the minus strand). VCF-style: chr1-1338309-G-C. GRCh37 (hg19) VCF-style: chr1-1273689-G-C.
Other names: c.1392C>G, p.Phe464Leu (NM_004421.3); short protein forms F464L, F489L.
Identifiers: ClinVar variation 2633766 (VCV002633766.1), dbSNP rs780266636, ClinGen allele CA337861124.